The following is an entry in ClinVar:

ClinVar aggregate classification (germline): Likely benign. Review status: criteria provided, multiple submitters, no conflicts (2 of 4 stars). 2 submissions from 2 submitters: Likely benign (2). Last evaluated 2025-12-15.

Conditions:
Autosomal recessive limb-girdle muscular dystrophy type 2O. Also called: Limb-Girdle Muscular Dystrophy Type 3C; MUSCULAR DYSTROPHY-DYSTROGLYCANOPATHY (LIMB-GIRDLE), TYPE C, 3; MUSCULAR DYSTROPHY-DYSTROGLYCANOPATHY, LIMB-GIRDLE, POMGNT1-RELATED. Identifiers: Orphanet 206564, MedGen C3150417, MONDO:0013161, OMIM 613157.
Muscular dystrophy-dystroglycanopathy (congenital with impaired intellectual development), type B, 3. Also called: Muscular dystrophy-dystroglycanopathy (congenital with intellectual disability), type B3; MUSCULAR DYSTROPHY, CONGENITAL, POMGNT1-RELATED. Identifiers: MedGen C3150412, MONDO:0013155, OMIM 613151.

Allele frequency attached by ClinVar (database versions not stated): gnomAD exomes 0.00001; gnomAD 0.00001; TOPMed 0.00001.
gnomAD v4.1: 11 of 1,603,212 alleles (0.00069%); highest among the groups gnomAD compares: African/African-American, 0.0027%; no homozygotes.

Submissions (2):

Labcorp Genetics (formerly Invitae), Labcorp
Classification: Likely benign for Autosomal recessive limb-girdle muscular dystrophy type 2O; Muscular dystrophy-dystroglycanopathy (congenital with impaired intellectual development), type B, 3. Last evaluated: 2025-12-15. Review status: criteria provided, single submitter. Criteria: Invitae Variant Classification Sherloc (09022015). Collection method: clinical testing. Allele origin: germline.

GeneDx
Classification: Likely benign. Last evaluated: 2017-05-04. Review status: criteria provided, single submitter. Criteria: GeneDx Variant Classification (06012015). Collection method: clinical testing. Allele origin: germline. Affected: yes.
Comment: This variant is considered likely benign or benign based on one or more of the following criteria: it is a conservative change, it occurs at a poorly conserved position in the protein, it is predicted to be benign by multiple in silico algorithms, and/or has population frequency not consistent with disease.

NM_017739.4(POMGNT1):c.1786-17C>T

Genes: POMGNT1 (protein O-linked mannose N-acetylglucosaminyltransferase 1 (beta 1,2-); minus strand), TSPAN1 (tetraspanin 1; plus strand). Cytogenetic location: 1p34.1.
Variant type: single nucleotide variant.
Coding change: c.1786-17C>T on transcript NM_017739.4 (MANE Select); 17 bases into the intron before coding-DNA position 1786, C replaced by T.
Molecular consequence: intron variant.
Genome position (GRCh38, 1-based): chr1:46,189,584, G>A on the plus strand (C>T on the coding strand, the complement: POMGNT1 is on the minus strand). VCF-style: chr1-46189584-G-A. GRCh37 (hg19) VCF-style: chr1-46655256-G-A.
Other names: c.1786-17C>T (NM_001437653.1, NM_001410783.1, NM_001438689.1 and 3 more transcripts); c.1720-17C>T (NM_001438692.1, NM_001290129.3, NM_001438691.1); c.1357-17C>T (NM_001290130.2).
Identifiers: ClinVar variation 509422 (VCV000509422.9), dbSNP rs1209878503, ClinGen allele CA522580778.